The following is an entry in ClinVar:

NM_000488.4(SERPINC1):c.641C>A (p.Ser214Tyr)

Gene: SERPINC1 (serpin family C member 1; minus strand). Cytogenetic location: 1q25.1.
Variant type: single nucleotide variant.
Coding change: c.641C>A on transcript NM_000488.4 (MANE Select); coding-DNA position 641, C replaced by A.
Protein change: p.Ser214Tyr; replaces serine 214 with tyrosine.
Molecular consequence: missense variant.
Genome position (GRCh38, 1-based): chr1:173,910,875, G>T on the plus strand (C>A on the coding strand, the complement: SERPINC1 is on the minus strand). VCF-style: chr1-173910875-G-T. GRCh37 (hg19) VCF-style: chr1-173880013-G-T.
Other names: c.497C>A, p.Ser166Tyr (NM_001365052.2); c.641C>A, p.Ser214Tyr (NM_001386302.1, NM_001386304.1, NM_001386305.1); c.722C>A, p.Ser241Tyr (NM_001386303.1); c.425C>A, p.Ser142Tyr (NM_001386306.1); short protein forms S214Y, S166Y, S142Y, S241Y.
Identifiers: ClinVar variation 100937 (VCV000100937.5), dbSNP rs483352854, ClinGen allele CA150697.
Genomic context (GRCh38, chr1:173,910,875, plus strand): 5'-ATGACATCGGTGATTCGGCCTTCGGTCTTATTGGACACCCATTTGTTGATGGCCGCTCTG[G>T]ATTGCTCTGCATTTTCCTGAGGAGAACAGAAAATAAACCTACTCACCTGTGCTATTCAAT-3'
Protein context (NP_000479.1, residues 204-224): PLDFKENAEQ[Ser214Tyr]RAAINKWVSN

ClinVar aggregate classification (germline): Likely pathogenic. Review status: criteria provided, single submitter (1 of 4 stars). 2 submissions from 2 submitters: Likely pathogenic (1). 1 of the submissions does not count toward it. Last evaluated 2022-04-25.

Conditions:
Hereditary antithrombin deficiency (AT3D). Also called: Antithrombin deficiency; Antithrombin III deficiency; Thrombophilia due to antithrombin III deficiency; Reduced antithrombin III activity. Identifiers: Orphanet 82, MedGen C0272375, MONDO:0013144, OMIM 613118, HP:0001976.
Tuberous sclerosis 2 (TSC2). Identifiers: Orphanet 805, MedGen C1860707, MONDO:0013199, OMIM 613254.

Submissions (2):

Labcorp Genetics (formerly Invitae), Labcorp
Classification: Likely pathogenic for Hereditary antithrombin deficiency. Last evaluated: 2022-04-25. Review status: criteria provided, single submitter. Criteria: Invitae Variant Classification Sherloc (09022015). Collection method: clinical testing. Allele origin: germline.
Comment: This sequence change replaces serine, which is neutral and polar, with tyrosine, which is neutral and polar, at codon 214 of the SERPINC1 protein (p.Ser214Tyr). This variant is not present in population databases (gnomAD no frequency). This missense change has been observed in individuals with antithrombin III deficiency (PMID: 25298121; Invitae). ClinVar contains an entry for this variant (Variation ID: 100937). Advanced modeling of protein sequence and biophysical properties (such as structural, functional, and spatial information, amino acid conservation, physicochemical variation, residue mobility, and thermodynamic stability) performed at Invitae indicates that this missense variant is expected to disrupt SERPINC1 protein function. In summary, the currently available evidence indicates that the variant is pathogenic, but additional data are needed to prove that conclusively. Therefore, this variant has been classified as Likely Pathogenic.

Hubei Clinical and Research Center of Thrombosis and Hemostasis Institute of Hematology, Union Hospital
No classification provided. Review status: no classification provided. Collection method: not provided. Allele origin: not provided. Not counted in ClinVar's aggregate classification.

Literature cited by the submitters: PubMed 25298121 (cited by Labcorp Genetics (formerly Invitae), Labcorp).